The following is an entry in ClinVar:

NM_000283.4(PDE6B):c.250T>C (p.Cys84Arg)

Gene: PDE6B (phosphodiesterase 6B; plus strand). Cytogenetic location: 4p16.3.
Variant type: single nucleotide variant.
Coding change: c.250T>C on transcript NM_000283.4 (MANE Select); coding-DNA position 250, T replaced by C.
Protein change: p.Cys84Arg; replaces cysteine 84 with arginine.
Molecular consequence: missense variant.
Genome position (GRCh38, 1-based): chr4:625,876, T>C. VCF-style: chr4-625876-T-C. GRCh37 (hg19) VCF-style: chr4-619665-T-C.
Other names: c.250T>C, p.Cys84Arg (NM_001145291.2); short protein forms C84R.
Identifiers: ClinVar variation 1053035 (VCV001053035.9), dbSNP rs1487940556, ClinGen allele CA355906554.
Genomic context (GRCh38, chr4:625,876, plus strand): 5'-CAGGATATGCAGGAGAGCATCAACATGGAGCGCGTGGTCTTCAAGGTCCTGCGGCGCCTC[T>C]GCACCCTCCTGCAGGCCGACCGCTGCAGCCTCTTCATGTACCGCCAGCGCAACGGCGTGG-3'
Protein context (NP_000274.3, residues 74-94): RVVFKVLRRL[Cys84Arg]TLLQADRCSL

ClinVar aggregate classification (germline): Uncertain significance (1 of 4 stars; one submission).

Allele frequency attached by ClinVar (database versions not stated): TOPMed below 0.00001.
gnomAD v4.1: 2 of 1,607,378 alleles (0.00012%); highest among the groups gnomAD compares: Admixed American, 0.0017%; no homozygotes.

Submission:

Labcorp Genetics (formerly Invitae), Labcorp
Classification: Uncertain significance. Last evaluated: 2025-03-03. Review status: criteria provided, single submitter. Criteria: Invitae Variant Classification Sherloc (09022015). Collection method: clinical testing. Allele origin: germline.
Comment: This sequence change replaces cysteine, which is neutral and slightly polar, with arginine, which is basic and polar, at codon 84 of the PDE6B protein (p.Cys84Arg). This variant is not present in population databases (gnomAD no frequency). This variant has not been reported in the literature in individuals affected with PDE6B-related conditions. ClinVar contains an entry for this variant (Variation ID: 1053035). Invitae Evidence Modeling of protein sequence and biophysical properties (such as structural, functional, and spatial information, amino acid conservation, physicochemical variation, residue mobility, and thermodynamic stability) indicates that this missense variant is not expected to disrupt PDE6B protein function with a negative predictive value of 95%. In summary, the available evidence is currently insufficient to determine the role of this variant in disease. Therefore, it has been classified as a Variant of Uncertain Significance.